The following is an entry in ClinVar:

ClinVar aggregate classification (germline): Benign/Likely benign. Review status: criteria provided, multiple submitters, no conflicts (2 of 4 stars). 5 submissions from 5 submitters: Benign (2); Likely benign (2). 1 of the submissions does not count toward it. Last evaluated 2026-01-19.

Conditions:
ESPN-related disorder. Also called: ESPN-related condition.

Allele frequency attached by ClinVar (database versions not stated): gnomAD exomes 0.00019 and 0.00042; ExAC 0.00058; gnomAD 0.00153 and 0.00163; 1000 Genomes Project 30x 0.00156; TOPMed 0.00172; 1000 Genomes Project 0.00200; ESP Exome Variant Server 0.00208.
gnomAD v4.1: 520 of 1,611,838 alleles (0.032%); highest among the groups gnomAD compares: African/African-American, 0.49%; 1 homozygote.

Submissions (5):

Labcorp Genetics (formerly Invitae), Labcorp
Classification: Benign. Last evaluated: 2026-01-19. Review status: criteria provided, single submitter. Criteria: Invitae Variant Classification Sherloc (09022015). Collection method: clinical testing. Allele origin: germline.

Blueprint Genetics
Classification: Likely benign. Last evaluated: 2024-10-22. Review status: criteria provided, single submitter. Criteria: ACMG Guidelines, 2015. Collection method: clinical testing. Allele origin: germline.

ARUP Laboratories, Molecular Genetics and Genomics, ARUP Laboratories
Classification: Benign. Last evaluated: 2023-11-01. Review status: criteria provided, single submitter. Criteria: ARUP Molecular Germline Variant Investigation Process 2024. Collection method: clinical testing. Allele origin: germline.

GeneDx
Classification: Likely benign. Last evaluated: 2021-03-17. Review status: criteria provided, single submitter. Criteria: GeneDx Variant Classification Process June 2021. Collection method: clinical testing. Allele origin: germline. Affected: yes.

PreventionGenetics, part of Exact Sciences
Classification: Likely benign for ESPN-related condition. Last evaluated: 2019-07-09. Review status: no assertion criteria provided. Collection method: clinical testing. Allele origin: germline. Not counted in ClinVar's aggregate classification.
Comment: This variant is classified as likely benign based on ACMG/AMP sequence variant interpretation guidelines (Richards et al. 2015 PMID: 25741868, with internal and published modifications).

NM_031475.3(ESPN):c.1248G>A (p.Pro416=)

Gene: ESPN (espin; plus strand). Cytogenetic location: 1p36.31.
Variant type: single nucleotide variant.
Coding change: c.1248G>A on transcript NM_031475.3 (MANE Select); coding-DNA position 1248, G replaced by A.
Protein change: p.Pro416=; no amino-acid change (proline 416 retained).
Molecular consequence: synonymous variant.
Genome position (GRCh38, 1-based): chr1:6,445,719, G>A. VCF-style: chr1-6445719-G-A. GRCh37 (hg19) VCF-style: chr1-6505779-G-A.
Other names: c.1248G>A, p.Pro416= (NM_001367473.1, NM_001367474.1).
Identifiers: ClinVar variation 811683 (VCV000811683.24), dbSNP rs139332523, ClinGen allele CA560168.